The following is an entry in ClinVar:

NM_017763.6(RNF43):c.345C>T (p.Ala115=)

Gene: RNF43 (ring finger protein 43; minus strand). Cytogenetic location: 17q22.
Variant type: single nucleotide variant.
Coding change: c.345C>T on transcript NM_017763.6 (MANE Select); coding-DNA position 345, C replaced by T.
Protein change: p.Ala115=; no amino-acid change (alanine 115 retained).
Molecular consequence: synonymous variant.
Genome position (GRCh38, 1-based): chr17:58,370,941, G>A on the plus strand (C>T on the coding strand, the complement: RNF43 is on the minus strand). VCF-style: chr17-58370941-G-A. GRCh37 (hg19) VCF-style: chr17-56448302-G-A.
Other names: c.-37C>T (NM_001305545.2); c.345C>T, p.Ala115= (NM_001305544.3).
Identifiers: ClinVar variation 3789898 (VCV003789898.2).

ClinVar aggregate classification (germline): Benign/Likely benign. Review status: criteria provided, multiple submitters, no conflicts (2 of 4 stars). 2 submissions from 2 submitters: Benign (1); Likely benign (1). Last evaluated 2026-06-29.

Conditions:
Sessile serrated polyposis cancer syndrome (SSPCS). Identifiers: Orphanet 157798, MedGen C4310714, MONDO:0014919, OMIM 617108.

gnomAD v4.1: 13 of 1,608,590 alleles (0.00081%); highest among the groups gnomAD compares: Non-Finnish European, 0.00093%; no homozygotes.

Submissions (2):

Myriad Genetics, Inc.
Classification: Benign for Sessile serrated polyposis cancer syndrome. Last evaluated: 2026-06-29. Review status: criteria provided, single submitter. Criteria: Myriad Autosomal Dominant, Autosomal Recessive and X-Linked Classification Criteria (2023). Collection method: clinical testing. Allele origin: unknown.
Comment: This variant is considered benign. This variant is a silent/synonymous amino acid change and it is not expected to impact splicing.

Ambry Genetics
Classification: Likely benign. Last evaluated: 2025-01-13. Review status: criteria provided, single submitter. Criteria: Ambry Variant Classification Scheme 2023. Collection method: clinical testing. Allele origin: germline.